The following is an entry in ClinVar:

NM_000452.3(SLC10A2):c.261G>A (p.Ser87=)

Gene: SLC10A2 (solute carrier family 10 member 2; minus strand). Cytogenetic location: 13q33.1.
Variant type: single nucleotide variant.
Coding change: c.261G>A on transcript NM_000452.3 (MANE Select); coding-DNA position 261, G replaced by A.
Protein change: p.Ser87=; no amino-acid change (serine 87 retained).
Molecular consequence: synonymous variant.
Genome position (GRCh38, 1-based): chr13:103,065,989, C>T on the plus strand (G>A on the coding strand, the complement: SLC10A2 is on the minus strand). VCF-style: chr13-103065989-C-T. GRCh37 (hg19) VCF-style: chr13-103718339-C-T.
Other names: c.261G>A (NM_000452.2).
Identifiers: ClinVar variation 500638 (VCV000500638.12), dbSNP rs200682819, ClinGen allele CA7042301.
Genomic context (GRCh38, chr13:103,065,989, plus strand): 5'-AGGGCAGCATCCTATAATGAGCACCACTACGGCCTGGAGCGGGAGGATGTCAAAGGCCAC[C>T]GACAGGATGAATCCTGTGAGGGGCATGATTCCAAACTGACAGAGGAAGCCAACACAAATG-3'
Protein context (NP_000443.2, residues 77-97): GIMPLTGFIL[Ser87=]VAFDILPLQA

ClinVar aggregate classification (germline): Conflicting classifications of pathogenicity. Review status: criteria provided, conflicting classifications (1 of 4 stars). 4 submissions from 4 submitters: Uncertain significance (2); Likely benign (1). 1 of the submissions does not count toward it. Last evaluated 2025-12-03.

Conditions:
SLC10A2-related disorder. Also called: SLC10A2-related condition.

Allele frequency attached by ClinVar (database versions not stated): ExAC 0.00003; gnomAD 0.00006; TOPMed 0.00007.
gnomAD v4.1: 113 of 1,613,990 alleles (0.007%); highest among the groups gnomAD compares: Middle Eastern, 0.3%; no homozygotes.

Submissions (4):

Labcorp Genetics (formerly Invitae), Labcorp
Classification: Likely benign. Last evaluated: 2025-12-03. Review status: criteria provided, single submitter. Criteria: Invitae Variant Classification Sherloc (09022015). Collection method: clinical testing. Allele origin: germline.

Eurofins Ntd Llc (ga)
Classification: Uncertain significance. Last evaluated: 2018-02-13. Review status: criteria provided, single submitter. Criteria: EGL ClinVar v180209 classification definitions. Collection method: clinical testing. Allele origin: germline. Observed: 3 variant alleles, 3 heterozygotes.

Breakthrough Genomics
Classification: Uncertain significance. Review status: criteria provided, single submitter. Criteria: ACMG Guidelines, 2015. Collection method: not provided. Allele origin: germline. Inheritance: Autosomal recessive inheritance. Affected: yes.

PreventionGenetics, part of Exact Sciences
Classification: Likely benign for SLC10A2-related condition. Last evaluated: 2023-07-31. Review status: no assertion criteria provided. Collection method: clinical testing. Allele origin: germline. Not counted in ClinVar's aggregate classification.
Comment: This variant is classified as likely benign based on ACMG/AMP sequence variant interpretation guidelines (Richards et al. 2015 PMID: 25741868, with internal and published modifications).